The following is an entry in ClinVar:

ClinVar aggregate classification (germline): Uncertain significance. Review status: criteria provided, multiple submitters, no conflicts (2 of 4 stars). 3 submissions from 3 submitters: Uncertain significance (3). Last evaluated 2025-05-15.

Conditions:
Cardiovascular phenotype. Identifiers: MedGen CN230736.
Arrhythmogenic cardiomyopathy with wooly hair and keratoderma. Also called: Carvajal syndrome; Dilated cardiomyopathy with woolly hair and keratoderma; Arrhythmogenic cardiomyopathy with woolly hair and keratoderma; PALMOPLANTAR KERATODERMA WITH LEFT VENTRICULAR CARDIOMYOPATHY AND WOOLLY HAIR. Identifiers: Orphanet 65282, MedGen C1854063, MONDO:0011581, OMIM 605676.
Arrhythmogenic right ventricular dysplasia 8 (ARVD8). Also called: ARRHYTHMOGENIC RIGHT VENTRICULAR DYSPLASIA, FAMILIAL, 8; ARRHYTHMOGENIC RIGHT VENTRICULAR CARDIOMYOPATHY 8; Arrhythmogenic Right Ventricular Dysplasia/Cardiomyopathy 8. Identifiers: MedGen C1843896, MONDO:0011831, OMIM 607450.

Allele frequency attached by ClinVar (database versions not stated): gnomAD exomes below 0.00001.
gnomAD v4.1: 2 of 1,614,102 alleles (0.00012%); highest among the groups gnomAD compares: Non-Finnish European, 0.00017%; no homozygotes.

Submissions (3):

Labcorp Genetics (formerly Invitae), Labcorp
Classification: Uncertain significance for Arrhythmogenic cardiomyopathy with wooly hair and keratoderma; Arrhythmogenic right ventricular dysplasia 8. Last evaluated: 2025-05-15. Review status: criteria provided, single submitter. Criteria: Invitae Variant Classification Sherloc (09022015). Collection method: clinical testing. Allele origin: germline.
Comment: This sequence change replaces isoleucine, which is neutral and non-polar, with valine, which is neutral and non-polar, at codon 368 of the DSP protein (p.Ile368Val). This variant is present in population databases (no rsID available, gnomAD 0.0009%). This variant has not been reported in the literature in individuals affected with DSP-related conditions. ClinVar contains an entry for this variant (Variation ID: 424297). An algorithm developed to predict the effect of missense changes on protein structure and function (PolyPhen-2) suggests that this variant is likely to be disruptive. Algorithms developed to predict the effect of sequence changes on RNA splicing suggest that this variant may create or strengthen a splice site. In summary, the available evidence is currently insufficient to determine the role of this variant in disease. Therefore, it has been classified as a Variant of Uncertain Significance.

Ambry Genetics
Classification: Uncertain significance for Cardiovascular phenotype. Last evaluated: 2022-06-14. Review status: criteria provided, single submitter. Criteria: Ambry Variant Classification Scheme 2023. Collection method: clinical testing. Allele origin: germline.
Comment: The p.I368V variant (also known as c.1102A>G), located in coding exon 9 of the DSP gene, results from an A to G substitution at nucleotide position 1102. The isoleucine at codon 368 is replaced by valine, an amino acid with highly similar properties. This amino acid position is highly conserved in available vertebrate species. In addition, the in silico prediction for this alteration is inconclusive. Since supporting evidence is limited at this time, the clinical significance of this alteration remains unclear.

GeneDx
Classification: Uncertain significance. Last evaluated: 2022-05-09. Review status: criteria provided, single submitter. Criteria: GeneDx Variant Classification Process June 2021. Collection method: clinical testing. Allele origin: germline. Affected: yes.
Comment: Not observed at significant frequency in large population cohorts (gnomAD); In silico splice predictors support that this missense variant has a deleterious effect on splicing; In silico analysis supports that this missense variant does not alter protein structure/function; Has not been previously published as pathogenic or benign to our knowledge

NM_004415.4(DSP):c.1102A>G (p.Ile368Val)

Gene: DSP (desmoplakin; plus strand). Cytogenetic location: 6p24.3.
Variant type: single nucleotide variant.
Coding change: c.1102A>G on transcript NM_004415.4 (MANE Select); coding-DNA position 1102, A replaced by G.
Protein change: p.Ile368Val; replaces isoleucine 368 with valine.
Molecular consequence: missense variant.
Genome position (GRCh38, 1-based): chr6:7,567,411, A>G. VCF-style: chr6-7567411-A-G. GRCh37 (hg19) VCF-style: chr6-7567644-A-G.
Other names: c.1102A>G (LRG_423t1); c.1102A>G, p.Ile368Val (NM_001008844.3, NM_001319034.2); short protein forms I368V.
Identifiers: ClinVar variation 424297 (VCV000424297.10), dbSNP rs794728112, ClinGen allele CA16618316.